The following is an entry in ClinVar:

ClinVar aggregate classification (germline): Uncertain significance (1 of 4 stars; one submission).

Submission:

GeneDx
Classification: Uncertain significance. Last evaluated: 2026-03-21. Review status: criteria provided, single submitter. Criteria: GeneDx Variant Classification Process June 2021. Collection method: clinical testing. Allele origin: germline.
Comment: Not observed at significant frequency in large population cohorts (gnomAD); In silico analysis suggests that this missense variant does not alter protein structure/function; Has not been previously published as pathogenic or benign to our knowledge

NM_001161352.2(KCNMA1):c.2496A>C (p.Glu832Asp)

Genes: KCNMA1 (potassium calcium-activated channel subfamily M alpha 1; minus strand), KCNMA1-AS1 (KCNMA1 antisense RNA 1; plus strand). Cytogenetic location: 10q22.3.
Variant type: single nucleotide variant.
Coding change: c.2496A>C on transcript NM_001161352.2 (MANE Select); coding-DNA position 2496, A replaced by C.
Protein change: p.Glu832Asp; replaces glutamic acid 832 with aspartic acid.
Molecular consequence: missense variant.
Genome position (GRCh38, 1-based): chr10:76,949,355, T>G on the plus strand (A>C on the coding strand, the complement: KCNMA1 is on the minus strand). VCF-style: chr10-76949355-T-G. GRCh37 (hg19) VCF-style: chr10-78709113-T-G.
Other names: c.2334A>C, p.Glu778Asp (NM_001014797.3, NM_001322835.2, NM_001322837.2); c.2445A>C, p.Glu815Asp (NM_001161353.2); c.2172A>C, p.Glu724Asp (NM_001271518.2); c.2331A>C, p.Glu777Asp (NM_001271519.2, NM_001322829.2, NM_001322836.2); c.2343A>C, p.Glu781Asp (NM_001322830.2); c.2322A>C, p.Glu774Asp (NM_001322832.2, NM_001410940.1, NM_002247.4); c.1869A>C, p.Glu623Asp (NM_001322838.2); c.2454A>C, p.Glu818Asp (NM_001437422.1); and 1 more; short protein forms E623D, E777D, E781D, E803D, E815D, E818D, E774D, E724D.
Identifiers: ClinVar variation 5009562 (VCV005009562.1).